The following is an entry in ClinVar:

NM_052876.4(NACC1):c.142_198del (p.Leu48_Val66del)

Gene: NACC1 (nucleus accumbens associated 1; plus strand). Cytogenetic location: 19p13.13.
Variant type: Deletion.
Coding change: c.142_198del on transcript NM_052876.4 (MANE Select); coding-DNA positions 142 to 198, 57 bases deleted.
Protein change: p.Leu48_Val66del.
Molecular consequence: inframe deletion.
Genome position (GRCh38, 1-based): chr19:13,135,349-13,135,405, 57 bases deleted. GRCh37 (hg19): chr19:13,246,163-13,246,219.
Other names: c.142_198del (NM_052876.3).
Identifiers: ClinVar variation 1384103 (VCV001384103.7), dbSNP rs2145623047, ClinGen allele CA2573156013.

ClinVar aggregate classification (germline): Uncertain significance. Review status: criteria provided, multiple submitters, no conflicts (2 of 4 stars). 2 submissions from 2 submitters: Uncertain significance (2). Last evaluated 2025-02-11.

Submissions (2):

GeneDx
Classification: Uncertain significance. Last evaluated: 2025-02-11. Review status: criteria provided, single submitter. Criteria: GeneDx Variant Classification Process June 2021. Collection method: clinical testing. Allele origin: germline. Affected: yes.
Comment: Not observed at significant frequency in large population cohorts (gnomAD); In-frame deletion of 19 amino acid(s) in a non-repeat region; In silico analysis supports a deleterious effect on protein structure/function; Has not been previously published as pathogenic or benign to our knowledge

Labcorp Genetics (formerly Invitae), Labcorp
Classification: Uncertain significance. Last evaluated: 2024-01-10. Review status: criteria provided, single submitter. Criteria: Invitae Variant Classification Sherloc (09022015). Collection method: clinical testing. Allele origin: germline.
Comment: This variant, c.142_198del, results in the deletion of 19 amino acid(s) of the NACC1 protein (p.Leu48_Val66del), but otherwise preserves the integrity of the reading frame. This variant is not present in population databases (gnomAD no frequency). This variant has not been reported in the literature in individuals affected with NACC1-related conditions. ClinVar contains an entry for this variant (Variation ID: 1384103). Experimental studies and prediction algorithms are not available or were not evaluated, and the functional significance of this variant is currently unknown. In summary, the available evidence is currently insufficient to determine the role of this variant in disease. Therefore, it has been classified as a Variant of Uncertain Significance.